The following is an entry in ClinVar:

NM_001378454.1(ALMS1):c.11414_11418del (p.Arg3805fs)

Gene: ALMS1 (ALMS1 centrosome and basal body associated protein; plus strand). Cytogenetic location: 2p13.1.
Variant type: Deletion.
Coding change: c.11414_11418del on transcript NM_001378454.1 (MANE Select); coding-DNA positions 11414 to 11418, 5 bases deleted (GAATT; older notation c.11414_11418delGAATT).
Protein change: p.Arg3805fs; shifts the reading frame from arginine 3805.
Molecular consequence: frameshift variant.
Genome position (GRCh38, 1-based): chr2:73,573,291-73,573,295, GAATT deleted. VCF-style (leftmost placement, unchanged base first): chr2-73573290-CGAATT-C. GRCh37 (hg19) VCF-style: chr2-73800417-CGAATT-C.
Other names: c.11417_11421delGAATT (NM_015120.4); c.11417_11421del, p.Arg3806fs (NM_015120.4); short protein forms R3805fs, R3806fs.
Identifiers: ClinVar variation 1074534 (VCV001074534.8), dbSNP rs2104108070, ClinGen allele CA2499216274.
Genomic context (GRCh38, chr2:73,573,290, plus strand): 5'-ATTGACACTGCCCGGCTGATTCAAGCTTTTGGCCATGAAAGAGTATGCTTGTCACCCAGA[CGAATT>C]AAATTATATAGCAGCATCACCAACCAACAGAGGAGATACCTTGAGAAGCGGAGCAAACAC-3'

ClinVar aggregate classification (germline): Pathogenic/Likely pathogenic. Review status: criteria provided, multiple submitters, no conflicts (2 of 4 stars). 2 submissions from 2 submitters: Pathogenic (1); Likely pathogenic (1). Last evaluated 2025-12-15.

Conditions:
Alstrom syndrome (ALMS). Identifiers: Orphanet 64, MedGen C0268425, MONDO:0008763, OMIM 203800.

Allele frequency attached by ClinVar (database versions not stated): gnomAD exomes below 0.00001.

Submissions (2):

Natera, Inc.
Classification: Likely pathogenic for Alstrom syndrome. Last evaluated: 2025-12-15. Review status: criteria provided, single submitter. Criteria: Natera Variant Classification Schema (03/2026). Collection method: clinical testing. Allele origin: germline.
Comment: The c.11417_11421delGAATT variant in ALMS1 is a frameshift variant predicted to shift the reading frame beginning at codon 3806 and leads to a stop codon 4 codons downstream. This variant is expected to result in nonsense mediated decay, truncation, or a dysfunctional protein product. This variant is rare in the general population with a frequency below the threshold expected for the associated phenotype(s). Given the available evidence, this variant is classified as Likely Pathogenic.

Labcorp Genetics (formerly Invitae), Labcorp
Classification: Pathogenic for Alstrom syndrome. Last evaluated: 2025-04-28. Review status: criteria provided, single submitter. Criteria: Invitae Variant Classification Sherloc (09022015). Collection method: clinical testing. Allele origin: germline.
Comment: This sequence change creates a premature translational stop signal (p.Arg3806Glnfs*4) in the ALMS1 gene. It is expected to result in an absent or disrupted protein product. Loss-of-function variants in ALMS1 are known to be pathogenic (PMID: 17594715). This variant is not present in population databases (gnomAD no frequency). This variant has not been reported in the literature in individuals affected with ALMS1-related conditions. ClinVar contains an entry for this variant (Variation ID: 1074534). For these reasons, this variant has been classified as Pathogenic.

Literature cited by the submitters: PubMed 17594715 (cited by Labcorp Genetics (formerly Invitae), Labcorp).